The following is an entry in ClinVar:

NM_001148.6(ANK2):c.1928A>G (p.Gln643Arg)

Gene: ANK2 (ankyrin 2; plus strand). Cytogenetic location: 4q26.
Variant type: single nucleotide variant.
Coding change: c.1928A>G on transcript NM_001148.6 (MANE Select); coding-DNA position 1928, A replaced by G.
Protein change: p.Gln643Arg; replaces glutamine 643 with arginine.
Molecular consequence: missense variant.
Genome position (GRCh38, 1-based): chr4:113,282,721, A>G. VCF-style: chr4-113282721-A-G. GRCh37 (hg19) VCF-style: chr4-114203877-A-G.
Other names: c.1865A>G, p.Gln622Arg (NM_001127493.3, NM_001354239.2, NM_001354243.2 and 10 more transcripts); c.1928A>G, p.Gln643Arg (NM_001354225.2, NM_001354228.2, NM_001354232.2 and 6 more transcripts); c.1973A>G, p.Gln658Arg (NM_001354230.2, NM_001354231.2, NM_001354237.2 and 5 more transcripts); c.1742A>G, p.Gln581Arg (NM_001354260.2, NM_001386151.1, NM_001354271.2); c.1886A>G, p.Gln629Arg (NM_001354261.2, NM_001386147.1, NM_001386160.1); c.1841A>G, p.Gln614Arg (NM_001354264.2, NM_001354266.2, NM_001354267.2 and 10 more transcripts); c.1829A>G, p.Gln610Arg (NM_001354268.2, NM_001354245.2); c.1916A>G, p.Gln639Arg (NM_001386148.2, NM_001386186.2); and 8 more; short protein forms Q577R, Q610R, Q622R, Q658R, Q515R, Q573R, Q629R, Q660R.
Identifiers: ClinVar variation 4096417 (VCV004096417.1).

ClinVar aggregate classification (germline): Uncertain significance (1 of 4 stars; one submission).

Conditions:
Cardiovascular phenotype. Identifiers: MedGen CN230736.

gnomAD v4.1: 2 of 1,613,884 alleles (0.00012%); highest among the groups gnomAD compares: Non-Finnish European, 0.00017%; no homozygotes.

Submission:

Ambry Genetics
Classification: Uncertain significance for Cardiovascular phenotype. Last evaluated: 2025-06-20. Review status: criteria provided, single submitter. Criteria: Ambry Variant Classification Scheme 2023. Collection method: clinical testing. Allele origin: germline.
Comment: The p.Q643R variant (also known as c.1928A>G), located in coding exon 18 of the ANK2 gene, results from an A to G substitution at nucleotide position 1928. The glutamine at codon 643 is replaced by arginine, an amino acid with highly similar properties. This amino acid position is conserved. In addition, the in silico prediction for this alteration is inconclusive. Based on the available evidence, the clinical significance of this variant remains unclear.